The following is an entry in ClinVar:

ClinVar aggregate classification (germline): Uncertain significance. Review status: criteria provided, multiple submitters, no conflicts (2 of 4 stars). 3 submissions from 3 submitters: Uncertain significance (3). Last evaluated 2024-11-18.

Conditions:
Progressive myoclonic epilepsy type 7. Identifiers: Orphanet 435438, MedGen C4015420, MONDO:0014521, OMIM 616187.

Allele frequency attached by ClinVar (database versions not stated): TOPMed 0.00001; gnomAD exomes 0.00004 and 0.00011; ExAC 0.00037.
gnomAD v4.1: 57 of 1,550,646 alleles (0.0037%); highest among the groups gnomAD compares: South Asian, 0.061%; 1 homozygote.

Submissions (3):

Labcorp Genetics (formerly Invitae), Labcorp
Classification: Uncertain significance for Progressive myoclonic epilepsy type 7. Last evaluated: 2024-11-18. Review status: criteria provided, single submitter. Criteria: Invitae Variant Classification Sherloc (09022015). Collection method: clinical testing. Allele origin: germline.
Comment: This sequence change replaces glutamic acid, which is acidic and polar, with lysine, which is basic and polar, at codon 553 of the KCNC1 protein (p.Glu553Lys). This variant is present in population databases (rs531563186, gnomAD 0.07%), and has an allele count higher than expected for a pathogenic variant. This variant has not been reported in the literature in individuals affected with KCNC1-related conditions. ClinVar contains an entry for this variant (Variation ID: 586093). Invitae Evidence Modeling of protein sequence and biophysical properties (such as structural, functional, and spatial information, amino acid conservation, physicochemical variation, residue mobility, and thermodynamic stability) indicates that this missense variant is expected to disrupt KCNC1 protein function with a positive predictive value of 95%. In summary, the available evidence is currently insufficient to determine the role of this variant in disease. Therefore, it has been classified as a Variant of Uncertain Significance.

Department of Pathology and Laboratory Medicine, Sinai Health System
Classification: Uncertain significance for Progressive myoclonic epilepsy type 7. Last evaluated: 2021-07-30. Review status: criteria provided, single submitter. Criteria: ACMG Guidelines, 2015. Collection method: research. Allele origin: germline.

Athena Diagnostics
Classification: Uncertain significance. Last evaluated: 2018-05-31. Review status: criteria provided, single submitter. Criteria: Athena Diagnostics Criteria. Collection method: clinical testing. Allele origin: germline.

NM_001112741.2(KCNC1):c.1657G>A (p.Glu553Lys)

Gene: KCNC1 (potassium voltage-gated channel subfamily C member 1; plus strand). Cytogenetic location: 11p15.1.
Variant type: single nucleotide variant.
Coding change: c.1657G>A on transcript NM_001112741.2 (MANE Select); coding-DNA position 1657, G replaced by A.
Protein change: p.Glu553Lys; replaces glutamic acid 553 with lysine.
Molecular consequence: missense variant.
Genome position (GRCh38, 1-based): chr11:17,779,608, G>A. VCF-style: chr11-17779608-G-A. GRCh37 (hg19) VCF-style: chr11-17801155-G-A.
Other names: short protein forms E553K.
Identifiers: ClinVar variation 586093 (VCV000586093.8), dbSNP rs531563186, ClinGen allele CA5906855.
Genomic context (GRCh38, chr11:17,779,608, plus strand): 5'-CCCTTTACGCGCTCGGGCACCCGCGAGAGATACGGACCCTGCTTCCTCTTATCAACCGGG[G>A]AGTACGCGTGCCCACCTGGTGGAGGAATGAGAAAGGGTATGTAGAGGAAGCTGGAGCACC-3'
Protein context (NP_001106212.1, residues 543-563): YGPCFLLSTG[Glu553Lys]YACPPGGGMR